The following is an entry in ClinVar:

ClinVar aggregate classification (germline): Pathogenic (1 of 4 stars; one submission).

Conditions:
KBG syndrome (KBGS). Also called: ANKRD11-Related KBG Syndrome. Identifiers: Orphanet 2332, MedGen C0220687, MONDO:0007846, OMIM 148050.

Submission:

Baylor Genetics
Classification: Pathogenic for KBG syndrome. Last evaluated: 2017-09-01. Review status: criteria provided, single submitter. Criteria: ACMG Guidelines, 2015. Collection method: clinical testing. Allele origin: de novo. Inheritance: Autosomal dominant inheritance. Affected: yes.
Comment: This intronic mutation is categorized as deleterious according to ACMG guidelines (PMID:18414213).

Literature cited by the submitters: PubMed 25326635.

NM_013275.6(ANKRD11):c.893-1G>C

Gene: ANKRD11 (ankyrin repeat domain 11; minus strand). Cytogenetic location: 16q24.3.
Variant type: single nucleotide variant.
Coding change: c.893-1G>C on transcript NM_013275.6 (MANE Select); the canonical splice acceptor site of the intron before coding-DNA position 893, G replaced by C.
Molecular consequence: splice acceptor variant.
Genome position (GRCh38, 1-based): chr16:89,285,650, C>G on the plus strand (G>C on the coding strand, the complement: ANKRD11 is on the minus strand). VCF-style: chr16-89285650-C-G. GRCh37 (hg19) VCF-style: chr16-89352058-C-G.
Other names: c.893-1G>C (NM_001256183.2, NM_001256182.2).
Identifiers: ClinVar variation 560944 (VCV000560944.2), dbSNP rs1567583835, ClinGen allele CA397166225.